The following is an entry in ClinVar:

NM_020376.4(PNPLA2):c.1243_1245delinsCAG (p.Tyr415Gln)

Gene: PNPLA2 (patatin like domain 2, triacylglycerol lipase; plus strand). Cytogenetic location: 11p15.5.
Variant type: Indel.
Coding change: c.1243_1245delinsCAG on transcript NM_020376.4 (MANE Select); coding-DNA positions 1243 to 1245, TAC replaced by CAG.
Protein change: p.Tyr415Gln; replaces tyrosine 415 with glutamine.
Molecular consequence: missense variant.
Genome position (GRCh38, 1-based): chr11:824,590-824,592, TAC replaced by CAG. VCF-style: chr11-824590-TAC-CAG. GRCh37 (hg19) VCF-style: chr11-824590-TAC-CAG.
Other names: short protein forms Y415Q.
Identifiers: ClinVar variation 465782 (VCV000465782.5), dbSNP rs1554976791, ClinGen allele CA658658026.
Genomic context (GRCh38, chr11:824,590, plus strand): 5'-GAGCAGGTGGAGCTGCGCCGCGTCCAGTCGCTGCCGTCCGTGCCGCTGTCCTGCGCCGCC[TAC>CAG]AGAGAGGCACTGCCCGGCTGGATGCGCAACAACCTCTCGCTGGGGGACGCGCTGGCCAAG-3'
Protein context (NP_065109.1, residues 405-425): LPSVPLSCAA[Tyr415Gln]REALPGWMRN

ClinVar aggregate classification (germline): Uncertain significance (1 of 4 stars; one submission).

Conditions:
Neutral lipid storage myopathy (NLSDM). Also called: NEUTRAL LIPID STORAGE DISEASE WITHOUT ICHTHYOSIS. Identifiers: Orphanet 98908, MedGen C1853136, MONDO:0012545, OMIM 610717.

Submission:

Labcorp Genetics (formerly Invitae), Labcorp
Classification: Uncertain significance for Neutral lipid storage myopathy. Last evaluated: 2024-05-20. Review status: criteria provided, single submitter. Criteria: Invitae Variant Classification Sherloc (09022015). Collection method: clinical testing. Allele origin: germline.
Comment: This sequence change replaces tyrosine, which is neutral and polar, with glutamine, which is neutral and polar, at codon 415 of the PNPLA2 protein (p.Tyr415Gln). This variant is not present in population databases (gnomAD no frequency). This variant has not been reported in the literature in individuals affected with PNPLA2-related conditions. In summary, the available evidence is currently insufficient to determine the role of this variant in disease. Therefore, it has been classified as a Variant of Uncertain Significance.